The following is an entry in ClinVar:

ClinVar aggregate classification (germline): Uncertain significance (1 of 4 stars; one submission).

Submission:

Labcorp Genetics (formerly Invitae), Labcorp
Classification: Uncertain significance. Last evaluated: 2025-03-27. Review status: criteria provided, single submitter. Criteria: Invitae Variant Classification Sherloc (09022015). Collection method: clinical testing. Allele origin: germline.
Comment: This sequence change replaces isoleucine, which is neutral and non-polar, with valine, which is neutral and non-polar, at codon 45 of the EEF2 protein (p.Ile45Val). This variant is present in population databases (no rsID available, gnomAD 0.003%). This variant has not been reported in the literature in individuals affected with EEF2-related conditions. Invitae Evidence Modeling of protein sequence and biophysical properties (such as structural, functional, and spatial information, amino acid conservation, physicochemical variation, residue mobility, and thermodynamic stability) indicates that this missense variant is not expected to disrupt EEF2 protein function with a negative predictive value of 80%. In summary, the available evidence is currently insufficient to determine the role of this variant in disease. Therefore, it has been classified as a Variant of Uncertain Significance.

NM_001961.4(EEF2):c.133A>G (p.Ile45Val)

Gene: EEF2 (eukaryotic translation elongation factor 2; minus strand). Cytogenetic location: 19p13.3.
Variant type: single nucleotide variant.
Coding change: c.133A>G on transcript NM_001961.4 (MANE Select); coding-DNA position 133, A replaced by G.
Protein change: p.Ile45Val; replaces isoleucine 45 with valine.
Molecular consequence: missense variant.
Genome position (GRCh38, 1-based): chr19:3,984,221, T>C on the plus strand (A>G on the coding strand, the complement: EEF2 is on the minus strand). VCF-style: chr19-3984221-T-C. GRCh37 (hg19) VCF-style: chr19-3984219-T-C.
Other names: short protein forms I45V.
Identifiers: ClinVar variation 4808913 (VCV004808913.1).